The following is an entry in ClinVar:

NM_002582.4(PARN):c.351_352dup (p.Ser118fs)

Gene: PARN (poly(A)-specific ribonuclease; minus strand). Cytogenetic location: 16p13.12.
Variant type: Duplication.
Coding change: c.351_352dup on transcript NM_002582.4 (MANE Select); coding-DNA positions 351 to 352, 2 bases duplicated (AA; older notation c.351_352dupAA).
Protein change: p.Ser118fs; shifts the reading frame from serine 118.
Molecular consequence: frameshift variant.
Genome position (GRCh38, 1-based): chr16:14,617,626-14,617,627, TT duplicated on the plus strand (AA on the coding strand, the reverse complement: PARN is on the minus strand). VCF-style (leftmost placement, unchanged base first): chr16-14617625-C-CTT. GRCh37 (hg19) VCF-style: chr16-14711482-C-CTT.
Other names: c.168_169dup, p.Ser57fs (NM_001134477.3); c.213_214dup, p.Ser72fs (NM_001242992.2); short protein forms S118fs, S57fs, S72fs.
Identifiers: ClinVar variation 3761801 (VCV003761801.2).

ClinVar aggregate classification (germline): Pathogenic (1 of 4 stars; one submission).

Conditions:
Dyskeratosis congenita, autosomal recessive 6 (DKCB6). Identifiers: MedGen C4225356, MONDO:0014600, OMIM 616353.
Pulmonary fibrosis and/or bone marrow failure, Telomere-related, 4. Also called: PULMONARY FIBROSIS AND/OR BONE MARROW FAILURE SYNDROME, TELOMERE-RELATED, 4. Identifiers: Orphanet 2032, MedGen C4225347, MONDO:0014612, OMIM 616371.

Submission:

Labcorp Genetics (formerly Invitae), Labcorp
Classification: Pathogenic for Dyskeratosis congenita, autosomal recessive 6; Pulmonary fibrosis and/or bone marrow failure, Telomere-related, 4. Last evaluated: 2025-02-10. Review status: criteria provided, single submitter. Criteria: Invitae Variant Classification Sherloc (09022015). Collection method: clinical testing. Allele origin: germline.
Comment: This sequence change creates a premature translational stop signal (p.Ser118Lysfs*18) in the PARN gene. It is expected to result in an absent or disrupted protein product. Loss-of-function variants in PARN are known to be pathogenic (PMID: 9736620, 25848748, 26810774). This variant is not present in population databases (gnomAD no frequency). This variant has not been reported in the literature in individuals affected with PARN-related conditions. Algorithms developed to predict the effect of sequence changes on RNA splicing suggest that this variant may disrupt the consensus splice site. For these reasons, this variant has been classified as Pathogenic.

Literature cited by the submitters: PubMed 9736620; PubMed 25848748; PubMed 26810774.